The following is an entry in ClinVar:

ClinVar aggregate classification (germline): Uncertain significance (1 of 4 stars; one submission).

Allele frequency attached by ClinVar (database versions not stated): TOPMed below 0.00001; gnomAD 0.00001; gnomAD exomes 0.00001.
gnomAD v4.1: 13 of 1,613,236 alleles (0.00081%); highest among the groups gnomAD compares: Admixed American, 0.012%; no homozygotes.

Submission:

Labcorp Genetics (formerly Invitae), Labcorp
Classification: Uncertain significance. Last evaluated: 2022-05-19. Review status: criteria provided, single submitter. Criteria: Invitae Variant Classification Sherloc (09022015). Collection method: clinical testing. Allele origin: germline.
Comment: This sequence change replaces isoleucine, which is neutral and non-polar, with valine, which is neutral and non-polar, at codon 2510 of the PCLO protein (p.Ile2510Val). This variant is present in population databases (no rsID available, gnomAD 0.01%). This variant has not been reported in the literature in individuals affected with PCLO-related conditions. Algorithms developed to predict the effect of missense changes on protein structure and function output the following: SIFT: "Tolerated"; PolyPhen-2: "Not Available"; Align-GVGD: "Class C0". The valine amino acid residue is found in multiple mammalian species, which suggests that this missense change does not adversely affect protein function. In summary, the available evidence is currently insufficient to determine the role of this variant in disease. Therefore, it has been classified as a Variant of Uncertain Significance.

NM_033026.6(PCLO):c.7528A>G (p.Ile2510Val)

Gene: PCLO (piccolo presynaptic cytomatrix protein; minus strand). Cytogenetic location: 7q21.11.
Variant type: single nucleotide variant.
Coding change: c.7528A>G on transcript NM_033026.6 (MANE Select); coding-DNA position 7528, A replaced by G.
Protein change: p.Ile2510Val; replaces isoleucine 2510 with valine.
Molecular consequence: missense variant.
Genome position (GRCh38, 1-based): chr7:82,953,425, T>C on the plus strand (A>G on the coding strand, the complement: PCLO is on the minus strand). VCF-style: chr7-82953425-T-C. GRCh37 (hg19) VCF-style: chr7-82582741-T-C.
Other names: c.7528A>G, p.Ile2510Val (NM_014510.3); short protein forms I2510V.
Identifiers: ClinVar variation 2132135 (VCV002132135.2), dbSNP rs988763667, ClinGen allele CA161146253.